The following is an entry in ClinVar:

NM_181507.2(HPS5):c.897-10_897-8del

Gene: HPS5 (HPS5 biogenesis of lysosomal organelles complex 2 subunit 2; minus strand). Cytogenetic location: 11p15.1.
Variant type: Microsatellite.
Coding change: c.897-10_897-8del on transcript NM_181507.2 (MANE Select); 10 bases into the intron before coding-DNA position 897 through 8 bases into the intron before coding-DNA position 897, 3 bases deleted (TCT; older notation c.897-10_897-8delTCT).
Molecular consequence: intron variant.
Genome position (GRCh38, 1-based): chr11:18,300,924-18,300,926, AGA deleted on the plus strand (TCT on the coding strand, the reverse complement: HPS5 is on the minus strand); deleting any 3 consecutive bases within chr11:18,300,924-18,300,931 gives the same sequence; the c. name uses the placement nearest the transcript's 3' end. VCF-style (leftmost placement, unchanged base first): chr11-18300923-GAGA-G. GRCh37 (hg19) VCF-style: chr11-18322470-GAGA-G.
Other names: c.897-10_897-8delTCT (NM_181507.2); c.483-10_483-8del (NM_001440929.1, NM_001440928.1, NM_001440927.1); c.555-10_555-8del (NM_181508.2, NM_001440921.1, NM_001440926.1 and 7 more transcripts); c.786-10_786-8del (NM_001440915.1, NM_001440914.1, NM_001440913.1); c.897-10_897-8del (NM_001440931.1, NM_001440917.1, NM_001440906.1 and 5 more transcripts); c.822-10_822-8del (NM_001440907.1, NM_001440909.1, NM_001440908.1); c.684-10_684-8del (NM_001440919.1); c.711-10_711-8del (NM_001440918.1).
Identifiers: ClinVar variation 2897201 (VCV002897201.4), dbSNP rs753070041, ClinGen allele CA5910285.

ClinVar aggregate classification (germline): Conflicting classifications of pathogenicity. Review status: criteria provided, conflicting classifications (1 of 4 stars). 2 submissions from 2 submitters: Uncertain significance (1); Likely benign (1). Last evaluated 2026-01-18.

Submissions (2):

Labcorp Genetics (formerly Invitae), Labcorp
Classification: Likely benign. Last evaluated: 2026-01-18. Review status: criteria provided, single submitter. Criteria: Invitae Variant Classification Sherloc (09022015). Collection method: clinical testing. Allele origin: germline.

Women's Health and Genetics/Laboratory Corporation of America, LabCorp
Classification: Uncertain significance. Last evaluated: 2025-03-24. Review status: criteria provided, single submitter. Criteria: LabCorp Variant Classification Summary - May 2015. Collection method: clinical testing. Allele origin: germline.
Comment: Variant summary: HPS5 c.897-10_897-8delTCT alters a nucleotide located close to a canonical splice site and therefore could affect mRNA splicing, leading to a significantly altered protein sequence. Consensus agreement among computation tools predict no significant impact on normal splicing. However, these predictions have yet to be confirmed by functional studies. The variant allele was found at a frequency of 4.8e-05 in 250240 control chromosomes. This frequency is not significantly higher than estimated for a pathogenic variant in HPS5 causing Hermansky-Pudlak Syndrome (4.8e-05 vs 0.00047), allowing no conclusion about variant significance. To our knowledge, no occurrence of c.897-10_897-8delTCT in individuals affected with Hermansky-Pudlak Syndrome and no experimental evidence demonstrating its impact on protein function have been reported. ClinVar contains an entry for this variant (Variation ID: 2897201). Based on the evidence outlined above, the variant was classified as uncertain significance.